The following is an entry in ClinVar:

NM_032806.6(POMGNT2):c.196C>G (p.His66Asp)

Gene: POMGNT2 (protein O-linked mannose N-acetylglucosaminyltransferase 2 (beta 1,4-); minus strand). Cytogenetic location: 3p22.1.
Variant type: single nucleotide variant.
Coding change: c.196C>G on transcript NM_032806.6 (MANE Select); coding-DNA position 196, C replaced by G.
Protein change: p.His66Asp; replaces histidine 66 with aspartic acid.
Molecular consequence: missense variant.
Genome position (GRCh38, 1-based): chr3:43,081,236, G>C on the plus strand (C>G on the coding strand, the complement: POMGNT2 is on the minus strand). VCF-style: chr3-43081236-G-C. GRCh37 (hg19) VCF-style: chr3-43122728-G-C.
Other names: c.196C>G (NM_032806.4); short protein forms H66D.
Identifiers: ClinVar variation 1905695 (VCV001905695.3), dbSNP rs2089852357, ClinGen allele CA352303745.

ClinVar aggregate classification (germline): Uncertain significance. Review status: criteria provided, multiple submitters, no conflicts (2 of 4 stars). 2 submissions from 2 submitters: Uncertain significance (2). Last evaluated 2025-06-29.

Conditions:
Inborn genetic diseases. Identifiers: MedGen C0950123, MeSH D030342.
Muscular dystrophy-dystroglycanopathy (congenital with brain and eye anomalies), type a, 8 (MDDGA8). Also called: WALKER-WARBURG SYNDROME OR MUSCLE-EYE-BRAIN DISEASE, GTDC2-RELATED. Identifiers: Orphanet 899, MedGen C3553813, MONDO:0013904, OMIM 614830.

Submissions (2):

Ambry Genetics
Classification: Uncertain significance for Inborn genetic diseases. Last evaluated: 2025-06-29. Review status: criteria provided, single submitter. Criteria: Ambry Variant Classification Scheme 2023. Collection method: clinical testing. Allele origin: germline.

Labcorp Genetics (formerly Invitae), Labcorp
Classification: Uncertain significance for Muscular dystrophy-dystroglycanopathy (congenital with brain and eye anomalies), type a, 8. Last evaluated: 2022-08-06. Review status: criteria provided, single submitter. Criteria: Invitae Variant Classification Sherloc (09022015). Collection method: clinical testing. Allele origin: germline.
Comment: This sequence change replaces histidine, which is basic and polar, with aspartic acid, which is acidic and polar, at codon 66 of the POMGNT2 protein (p.His66Asp). This variant is not present in population databases (gnomAD no frequency). This variant has not been reported in the literature in individuals affected with POMGNT2-related conditions. Algorithms developed to predict the effect of missense changes on protein structure and function are either unavailable or do not agree on the potential impact of this missense change (SIFT: "Tolerated"; PolyPhen-2: "Benign"; Align-GVGD: "Class C25"). In summary, the available evidence is currently insufficient to determine the role of this variant in disease. Therefore, it has been classified as a Variant of Uncertain Significance.